The following is an entry in ClinVar:

NM_000051.4(ATM):c.6198+130G>A

Genes: ATM (ATM serine/threonine kinase; plus strand), C11orf65 (chromosome 11 open reading frame 65; minus strand). Cytogenetic location: 11q22.3.
Variant type: single nucleotide variant.
Coding change: c.6198+130G>A on transcript NM_000051.4 (MANE Select); 130 bases into the intron after coding-DNA position 6198, G replaced by A.
Molecular consequence: intron variant.
Genome position (GRCh38, 1-based): chr11:108,316,243, G>A. VCF-style: chr11-108316243-G-A. GRCh37 (hg19) VCF-style: chr11-108186970-G-A.
Other names: c.6198+130G>A (NM_001351834.2); c.641-7172C>T (NM_001330368.2); c.*39-7172C>T (NM_001351110.2).
Identifiers: ClinVar variation 676651 (VCV000676651.7), dbSNP rs55982799, ClinGen allele CA15688403.

ClinVar aggregate classification (germline): Likely benign. Review status: criteria provided, multiple submitters, no conflicts (2 of 4 stars). 4 submissions from 4 submitters: Likely benign (2). 2 of the submissions do not count toward it. Last evaluated 2018-06-18.

Allele frequency attached by ClinVar (database versions not stated): TOPMed 0.01516; 1000 Genomes Project 30x 0.01686; 1000 Genomes Project 0.01637.
gnomAD v4.1: 3,093 of 960,942 alleles (0.32%); highest among the groups gnomAD compares: African/African-American, 4.3%; 70 homozygotes.

Submissions (4):

GeneDx
Classification: Likely benign. Last evaluated: 2018-06-18. Review status: criteria provided, single submitter. Criteria: GeneDx Variant Classification (06012015). Collection method: clinical testing. Allele origin: germline. Affected: yes.
Comment: This variant is considered likely benign or benign based on one or more of the following criteria: it is a conservative change, it occurs at a poorly conserved position in the protein, it is predicted to be benign by multiple in silico algorithms, and/or has population frequency not consistent with disease.

Breakthrough Genomics
Classification: Likely benign. Review status: criteria provided, single submitter. Criteria: ACMG Guidelines, 2015. Collection method: not provided. Allele origin: germline. Inheritance: Autosomal recessive inheritance. Affected: yes.

Clinical Genetics Laboratory, Department of Pathology, Netherlands Cancer Institute
Classification: Benign. Review status: no assertion criteria provided. Collection method: clinical testing. Allele origin: germline. Affected: yes. Study: VKGL Data-share Consensus. Not counted in ClinVar's aggregate classification.

Joint Genome Diagnostic Labs from Nijmegen and Maastricht, Radboudumc and MUMC+
Classification: Benign. Review status: no assertion criteria provided. Collection method: clinical testing. Allele origin: germline. Affected: yes. Study: VKGL Data-share Consensus. Not counted in ClinVar's aggregate classification.